The following is an entry in ClinVar:

NM_014946.4(SPAST):c.1066G>T (p.Glu356Ter)

Gene: SPAST (spastin; plus strand). Cytogenetic location: 2p22.3.
Variant type: single nucleotide variant.
Coding change: c.1066G>T on transcript NM_014946.4 (MANE Select); coding-DNA position 1066, G replaced by T.
Protein change: p.Glu356Ter; replaces glutamic acid 356 with a stop codon.
Molecular consequence: nonsense.
Genome position (GRCh38, 1-based): chr2:32,116,180, G>T. VCF-style: chr2-32116180-G-T. GRCh37 (hg19) VCF-style: chr2-32341249-G-T.
Other names: c.1063G>T, p.Glu355Ter (NM_001363823.2); c.967G>T, p.Glu323Ter (NM_001363875.2); c.970G>T, p.Glu324Ter (NM_001377959.1, NM_199436.2); short protein forms E355*, E324*, E356*, E323*.
Identifiers: ClinVar variation 2885083 (VCV002885083.3), dbSNP rs1057519181, ClinGen allele CA346499778.

ClinVar aggregate classification (germline): Pathogenic (1 of 4 stars; one submission).

Conditions:
Hereditary spastic paraplegia 4. Also called: Spastic Paraplegia 4; Spastic paraplegia 4, autosomal dominant; Familial spastic paraplegia autosomal dominant 2. Identifiers: Orphanet 100985, MedGen C1866855, MONDO:0008438, OMIM 182601.

Submission:

Labcorp Genetics (formerly Invitae), Labcorp
Classification: Pathogenic for Hereditary spastic paraplegia 4. Last evaluated: 2023-04-06. Review status: criteria provided, single submitter. Criteria: Invitae Variant Classification Sherloc (09022015). Collection method: clinical testing. Allele origin: germline.
Comment: This sequence change creates a premature translational stop signal (p.Glu356*) in the SPAST gene. It is expected to result in an absent or disrupted protein product. Loss-of-function variants in SPAST are known to be pathogenic (PMID: 20932283). This variant is not present in population databases (gnomAD no frequency). This variant has not been reported in the literature in individuals affected with SPAST-related conditions. For these reasons, this variant has been classified as Pathogenic.

Literature cited by the submitters: PubMed 20932283.